The following is an entry in ClinVar:

ClinVar aggregate classification (germline): Uncertain significance. Review status: criteria provided, single submitter (1 of 4 stars). 2 submissions from 2 submitters: Uncertain significance (1). 1 of the submissions does not count toward it. Last evaluated 2018-01-13.

Conditions:
VCAN-related disorder. Also called: VCAN-related condition.
Vitreoretinopathy. Also called: Vitreoretinal degeneration. Identifiers: MedGen C0344290, MONDO:0020248, HP:0007773.

Allele frequency attached by ClinVar (database versions not stated): gnomAD exomes 0.00002 and 0.00004; TOPMed 0.00002; ExAC 0.00003; gnomAD 0.00005 and 0.00006; ESP Exome Variant Server 0.00008.
gnomAD v4.1: 63 of 1,613,566 alleles (0.0039%); highest among the groups gnomAD compares: Non-Finnish European, 0.0051%; no homozygotes.

Submissions (2):

Illumina Laboratory Services, Illumina
Classification: Uncertain significance for Vitreoretinopathy. Last evaluated: 2018-01-13. Review status: criteria provided, single submitter. Criteria: ICSL Variant Classification Criteria 13 December 2019. Collection method: clinical testing. Allele origin: germline.

PreventionGenetics, part of Exact Sciences
Classification: Likely benign for VCAN-related condition. Last evaluated: 2023-06-05. Review status: no assertion criteria provided. Collection method: clinical testing. Allele origin: germline. Not counted in ClinVar's aggregate classification.
Comment: This variant is classified as likely benign based on ACMG/AMP sequence variant interpretation guidelines (Richards et al. 2015 PMID: 25741868, with internal and published modifications).

NM_004385.5(VCAN):c.*2C>T

Gene: VCAN (versican; plus strand). Cytogenetic location: 5q14.3.
Variant type: single nucleotide variant.
Coding change: c.*2C>T on transcript NM_004385.5 (MANE Select); 2 bases downstream of the stop codon, C replaced by T.
Molecular consequence: 3 prime UTR variant.
Genome position (GRCh38, 1-based): chr5:83,580,436, C>T. VCF-style: chr5-83580436-C-T. GRCh37 (hg19) VCF-style: chr5-82876255-C-T.
Other names: c.*2C>T (NM_001126336.3, NM_001164097.2, NM_001164098.2).
Identifiers: ClinVar variation 354468 (VCV000354468.8), dbSNP rs370984795, ClinGen allele CA3334187.